The following is an entry in ClinVar:

NM_030665.4(RAI1):c.2396dup (p.Gly800fs)

Gene: RAI1 (retinoic acid induced 1; plus strand). Cytogenetic location: 17p11.2.
Variant type: Duplication.
Coding change: c.2396dup on transcript NM_030665.4 (MANE Select); coding-DNA position 2396, one base duplicated (C; older notation c.2396dupC).
Protein change: p.Gly800fs; shifts the reading frame from glycine 800.
Molecular consequence: frameshift variant.
Genome position (GRCh38, 1-based): chr17:17,795,344, C duplicated; the last of 6 consecutive C bases (chr17:17,795,339-17,795,344); duplicating any one gives the same sequence. VCF-style (leftmost placement, unchanged base first): chr17-17795338-A-AC. GRCh37 (hg19) VCF-style: chr17-17698652-A-AC.
Other names: c.2396dupC (NM_030665.3); c.2396dup (NM_030665.3); short protein forms G800fs.
Identifiers: ClinVar variation 987497 (VCV000987497.5), dbSNP rs2032191929, ClinGen allele CA1139665267.

ClinVar aggregate classification (germline): Pathogenic/Likely pathogenic. Review status: criteria provided, multiple submitters, no conflicts (2 of 4 stars). 5 submissions from 5 submitters: Pathogenic (4); Likely pathogenic (1). Last evaluated 2025-04-23.

Conditions:
Inborn genetic diseases. Identifiers: MedGen C0950123, MeSH D030342.
Smith-Magenis syndrome (SMS). Also called: CHROMOSOME 17p11.2 DELETION SYNDROME. Identifiers: Orphanet 819, MedGen C0795864, MONDO:0008434, OMIM 182290.

Submissions (5):

Variantyx, Inc.
Classification: Pathogenic for Smith-Magenis syndrome. Last evaluated: 2025-04-23. Review status: criteria provided, single submitter. Criteria: Variantyx Assertion Criteria 2022. Collection method: clinical testing. Allele origin: germline. Inheritance: Autosomal dominant inheritance. Affected: yes.
Comment: This is a frameshift variant in the RAI1 gene (OMIM: 607642). Pathogenic variants in this gene have been associated with autosomal dominant Smith-Magenis syndrome. This variant introduces a premature termination codon in exon 3 out of 6 and is expected to result in loss of function, which is a known disease mechanism for RAI1 in this disorder (PMID: 12652298, 15565467, 15788730) (PVS1). It has been reported in at least 1 affected individual (PMID: 24715852) (PS4), but it ia absent from control populations (PM2). Based on the current evidence, this variant is classified as pathogenic for autosomal dominant Smith-Magenis syndrome.

Ambry Genetics
Classification: Pathogenic for Inborn genetic diseases. Last evaluated: 2024-11-13. Review status: criteria provided, single submitter. Criteria: Ambry Variant Classification Scheme 2023. Collection method: clinical testing. Allele origin: germline.
Comment: The c.2396dupC (p.G800Wfs*36) alteration, located in exon 3 (coding exon 1) of the RAI1 gene, consists of a duplication of C at position 2396, causing a translational frameshift with a predicted alternate stop codon after 36 amino acids. This alteration is expected to result in loss of function by premature protein truncation or nonsense-mediated mRNA decay. This variant was not reported in population-based cohorts in the Genome Aggregation Database (gnomAD). This variant was reported in an individual with features consistent with Smith-Magenis Syndrome (Dubourg, 2014) Based on the available evidence, this alteration is classified as pathogenic.

GeneDx
Classification: Pathogenic. Last evaluated: 2024-07-18. Review status: criteria provided, single submitter. Criteria: GeneDx Variant Classification Process June 2021. Collection method: clinical testing. Allele origin: germline. Affected: yes.
Comment: Frameshift variant predicted to result in protein truncation or nonsense mediated decay in a gene for which loss-of-function is a known mechanism of disease; Not observed in large population cohorts (gnomAD); This variant is associated with the following publications: (PMID: 24715852, 33726816)

Institute of Human Genetics, University of Leipzig Medical Center
Classification: Pathogenic for Smith-Magenis syndrome. Last evaluated: 2024-01-03. Review status: criteria provided, single submitter. Criteria: ACMG Guidelines, 2015. Collection method: clinical testing. Allele origin: de novo. Inheritance: Autosomal dominant inheritance. Affected: yes.
Comment: Criteria applied: PVS1,PS4_MOD,PS2_SUP,PM2_SUP

Institute of Medical Genetics and Applied Genomics, University Hospital Tübingen
Classification: Likely pathogenic. Last evaluated: 2020-10-23. Review status: criteria provided, single submitter. Criteria: ACMG Guidelines, 2015. Collection method: clinical testing. Allele origin: germline. Inheritance: Unknown mechanism. Affected: yes.

Literature cited by the submitters: PubMed 12652298 (cited by Variantyx, Inc.); PubMed 15565467 (cited by Variantyx, Inc.); PubMed 15788730 (cited by Variantyx, Inc.); PubMed 24715852 (cited by Variantyx, Inc. and Ambry Genetics).